The following is an entry in ClinVar:

ClinVar aggregate classification (germline): Likely benign. Review status: criteria provided, multiple submitters, no conflicts (2 of 4 stars). 3 submissions from 3 submitters: Likely benign (3). Last evaluated 2026-09-21.

Conditions:
Cardiovascular phenotype. Identifiers: MedGen CN230736.
Long QT syndrome (LQTS). Identifiers: MedGen C0023976, MeSH D008133, MONDO:0002442. Disease mechanism: loss of function. Inheritance: Various modes of inheritance.

Allele frequency attached by ClinVar (database versions not stated): gnomAD exomes 0.00001; 1000 Genomes Project 0.00040; TOPMed below 0.00001; ExAC 0.00002.

Submissions (4):

Molecular Diagnostic Laboratory for Inherited Cardiovascular Disease, Montreal Heart Institute
Classification: Likely benign. Last evaluated: 2026-09-21. Review status: criteria provided, single submitter. Criteria: ACMG Guidelines, 2015. Collection method: clinical testing. Allele origin: germline. Affected: no.
Comment: BP7

Labcorp Genetics (formerly Invitae), Labcorp
Classification: Likely benign for Long QT syndrome. Last evaluated: 2026-01-15. Review status: criteria provided, single submitter. Criteria: Invitae Variant Classification Sherloc (09022015). Collection method: clinical testing. Allele origin: germline.

Ambry Genetics
Classification: Likely benign for Cardiovascular phenotype. Last evaluated: 2025-03-25. Review status: criteria provided, single submitter. Criteria: Ambry Variant Classification Scheme 2023. Collection method: clinical testing. Allele origin: germline.

Roden Lab, Vanderbilt University Medical Center
No classification provided (evidence only). Condition: Long QT syndrome 5. Review status: no classification provided. Collection method: in vitro. Allele origin: not applicable. Functional consequence: Effect on ion channel function. Not counted in ClinVar's aggregate classification.
ClinVar note: "not provided" was previously submitted as the classification for the variant. However, the classification appeared to be based only on an observation of functional data so it was converted to no classification on 2025-07-30.

NM_000219.6(KCNE1):c.78C>T (p.Asn26=)

Gene: KCNE1 (potassium voltage-gated channel subfamily E regulatory subunit 1; minus strand). Cytogenetic location: 21q22.12.
Variant type: single nucleotide variant.
Coding change: c.78C>T on transcript NM_000219.6 (MANE Select); coding-DNA position 78, C replaced by T.
Protein change: p.Asn26=; no amino-acid change (asparagine 26 retained).
Molecular consequence: synonymous variant.
Genome position (GRCh38, 1-based): chr21:34,449,557, G>A on the plus strand (C>T on the coding strand, the complement: KCNE1 is on the minus strand). VCF-style: chr21-34449557-G-A. GRCh37 (hg19) VCF-style: chr21-35821855-G-A.
Other names: c.78C>T, p.Asn26= (NM_001127668.4, NM_001127669.4, NM_001127670.4 and 4 more transcripts); c.78C>T (NM_000219.3, NM_000219.5).
Identifiers: ClinVar variation 1617457 (VCV001617457.12), dbSNP rs201604169, ClinGen allele CA320425508.